The following is an entry in ClinVar:

NM_006915.3(RP2):c.800del (p.Thr267fs)

Gene: RP2 (RP2 activator of ARL3 GTPase; plus strand). Cytogenetic location: Xp11.3.
Variant type: Deletion.
Coding change: c.800del on transcript NM_006915.3 (MANE Select); coding-DNA position 800, one base deleted (C; older notation c.800delC).
Protein change: p.Thr267fs; shifts the reading frame from threonine 267.
Molecular consequence: frameshift variant.
Genome position (GRCh38, 1-based): chrX:46,860,019, C deleted. VCF-style (leftmost placement, unchanged base first): chrX-46860018-AC-A. GRCh37 (hg19) VCF-style: chrX-46719453-AC-A.
Other names: short protein forms T267fs.
Identifiers: ClinVar variation 1417282 (VCV001417282.6), dbSNP rs2147083243, ClinGen allele CA2573158917.

ClinVar aggregate classification (germline): Pathogenic (1 of 4 stars; one submission).

Submission:

Labcorp Genetics (formerly Invitae), Labcorp
Classification: Pathogenic. Last evaluated: 2022-06-13. Review status: criteria provided, single submitter. Criteria: Invitae Variant Classification Sherloc (09022015). Collection method: clinical testing. Allele origin: germline.
Comment: For these reasons, this variant has been classified as Pathogenic. This variant has not been reported in the literature in individuals affected with RP2-related conditions. This variant is not present in population databases (gnomAD no frequency). This sequence change creates a premature translational stop signal (p.Thr267Lysfs*6) in the RP2 gene. It is expected to result in an absent or disrupted protein product. Loss-of-function variants in RP2 are known to be pathogenic (PMID: 11992260, 20625056).

Literature cited by the submitters: PubMed 11992260; PubMed 20625056.